The following is an entry in ClinVar:

ClinVar aggregate classification (germline): Uncertain significance (1 of 4 stars; one submission).

Conditions:
Alzheimer disease. Also called: Presenile and senile dementia; Alzheimer's disease. Identifiers: Orphanet 1020, MedGen C0002395, MeSH D000544, MONDO:0004975, HP:0002511.

Submission:

Labcorp Genetics (formerly Invitae), Labcorp
Classification: Uncertain significance for Alzheimer disease. Last evaluated: 2022-03-20. Review status: criteria provided, single submitter. Criteria: Invitae Variant Classification Sherloc (09022015). Collection method: clinical testing. Allele origin: germline.
Comment: In summary, the available evidence is currently insufficient to determine the role of this variant in disease. Therefore, it has been classified as a Variant of Uncertain Significance. Algorithms developed to predict the effect of missense changes on protein structure and function (SIFT, PolyPhen-2, Align-GVGD) all suggest that this variant is likely to be tolerated. This variant has not been reported in the literature in individuals affected with APP-related conditions. This variant is not present in population databases (gnomAD no frequency). This sequence change replaces asparagine, which is neutral and polar, with serine, which is neutral and polar, at codon 660 of the APP protein (p.Asn660Ser).

NM_000484.4(APP):c.1979A>G (p.Asn660Ser)

Gene: APP (amyloid beta precursor protein; minus strand). Cytogenetic location: 21q21.3.
Variant type: single nucleotide variant.
Coding change: c.1979A>G on transcript NM_000484.4 (MANE Select); coding-DNA position 1979, A replaced by G.
Protein change: p.Asn660Ser; replaces asparagine 660 with serine.
Molecular consequence: missense variant.
Genome position (GRCh38, 1-based): chr21:25,897,658, T>C on the plus strand (A>G on the coding strand, the complement: APP is on the minus strand). VCF-style: chr21-25897658-T-C. GRCh37 (hg19) VCF-style: chr21-27269970-T-C.
Other names: c.1907A>G, p.Asn636Ser (NM_001136016.3); c.1586A>G, p.Asn529Ser (NM_001136129.3); c.1811A>G, p.Asn604Ser (NM_001136130.3, NM_001385253.1); c.1649A>G, p.Asn550Ser (NM_001136131.3); c.1925A>G, p.Asn642Ser (NM_001204301.2); c.1868A>G, p.Asn623Ser (NM_001204302.2); c.1700A>G, p.Asn567Ser (NM_001204303.2); c.1922A>G, p.Asn641Ser (NM_201413.3); and 1 more; short protein forms N550S, N636S, N623S, N642S, N585S, N604S, N660S, N529S.
Identifiers: ClinVar variation 1937323 (VCV001937323.5), dbSNP rs1439246491, ClinGen allele CA409806564.